The following is an entry in ClinVar:

NM_001173990.3(TMEM216):c.380T>G (p.Phe127Cys)

Gene: TMEM216 (transmembrane protein 216; plus strand). Cytogenetic location: 11q12.2.
Variant type: single nucleotide variant.
Coding change: c.380T>G on transcript NM_001173990.3 (MANE Select); coding-DNA position 380, T replaced by G.
Protein change: p.Phe127Cys; replaces phenylalanine 127 with cysteine.
Molecular consequence: missense variant.
Genome position (GRCh38, 1-based): chr11:61,397,924, T>G. VCF-style: chr11-61397924-T-G. GRCh37 (hg19) VCF-style: chr11-61165396-T-G.
Other names: c.380T>G, p.Phe127Cys (NM_001173991.3); c.197T>G, p.Phe66Cys (NM_001330285.2, NM_016499.6); c.380T>G (NM_001173990.2); short protein forms F127C, F66C.
Identifiers: ClinVar variation 1515868 (VCV001515868.7), dbSNP rs756738481, ClinGen allele CA380686483.

ClinVar aggregate classification (germline): Uncertain significance. Review status: criteria provided, multiple submitters, no conflicts (2 of 4 stars). 2 submissions from 2 submitters: Uncertain significance (2). Last evaluated 2023-01-24.

Conditions:
Inborn genetic diseases. Identifiers: MedGen C0950123, MeSH D030342.
Joubert syndrome. Also called: CEREBELLOPARENCHYMAL DISORDER IV; JOUBERT-BOLTSHAUSER SYNDROME; Familial aplasia of the vermis. Identifiers: Orphanet 475, MedGen C5979921, MONDO:0018772.

Allele frequency attached by ClinVar (database versions not stated): gnomAD 0.00001.
gnomAD v4.1: 7 of 1,613,908 alleles (0.00043%); highest among the groups gnomAD compares: Admixed American, 0.0017%; no homozygotes.

Submissions (2):

Ambry Genetics
Classification: Uncertain significance for Inborn genetic diseases. Last evaluated: 2023-01-24. Review status: criteria provided, single submitter. Criteria: Ambry Variant Classification Scheme 2023. Collection method: clinical testing. Allele origin: germline.

Labcorp Genetics (formerly Invitae), Labcorp
Classification: Uncertain significance for Joubert syndrome. Last evaluated: 2021-09-01. Review status: criteria provided, single submitter. Criteria: Invitae Variant Classification Sherloc (09022015). Collection method: clinical testing. Allele origin: germline.
Comment: This sequence change replaces phenylalanine with cysteine at codon 127 of the TMEM216 protein (p.Phe127Cys). The phenylalanine residue is highly conserved and there is a large physicochemical difference between phenylalanine and cysteine. This variant is not present in population databases (ExAC no frequency). This variant has not been reported in the literature in individuals affected with TMEM216-related conditions. Algorithms developed to predict the effect of missense changes on protein structure and function are either unavailable or do not agree on the potential impact of this missense change (SIFT: "Deleterious"; PolyPhen-2: "Probably Damaging"; Align-GVGD: "Class C0"). In summary, the available evidence is currently insufficient to determine the role of this variant in disease. Therefore, it has been classified as a Variant of Uncertain Significance.